The following is an entry in ClinVar:

NM_002691.4(POLD1):c.3277dup (p.Glu1093fs)

Gene: POLD1 (DNA polymerase delta 1, catalytic subunit; plus strand). Cytogenetic location: 19q13.33.
Variant type: Duplication.
Coding change: c.3277dup on transcript NM_002691.4 (MANE Select); coding-DNA position 3277, one base duplicated (G; older notation c.3277dupG).
Protein change: p.Glu1093fs; shifts the reading frame from glutamic acid 1093.
Molecular consequence: frameshift variant. On other transcripts: non-coding transcript variant (1).
Genome position (GRCh38, 1-based): chr19:50,417,900, G duplicated; the last of 2 consecutive G bases (chr19:50,417,899-50,417,900); duplicating either gives the same sequence. VCF-style (leftmost placement, unchanged base first): chr19-50417898-A-AG. GRCh37 (hg19) VCF-style: chr19-50921155-A-AG.
Other names: c.3277dup, p.Glu1093fs (NM_001256849.1); c.3355dup, p.Glu1119fs (NM_001308632.1); short protein forms E1093fs, E1119fs.
Identifiers: ClinVar variation 1020562 (VCV001020562.6), dbSNP rs2039395274, ClinGen allele CA2340891487.

ClinVar aggregate classification (germline): Uncertain significance (1 of 4 stars; one submission).

Conditions:
POLD1-related polyposis and colorectal cancer syndrome (CRCS10). Also called: Colorectal cancer 10; COLORECTAL CANCER, SUSCEPTIBILITY TO, ON CHROMOSOME 19q; Colorectal cancer, susceptibility to, 10. Identifiers: Orphanet 220460, MedGen C2675481, MONDO:0012953, OMIM 612591.

Submission:

Labcorp Genetics (formerly Invitae), Labcorp
Classification: Uncertain significance for POLD1-related polyposis and colorectal cancer syndrome. Last evaluated: 2020-06-21. Review status: criteria provided, single submitter. Criteria: Invitae Variant Classification Sherloc (09022015). Collection method: clinical testing. Allele origin: germline.
Comment: This sequence change results in a premature translational stop signal in the POLD1 gene (p.Glu1093Glyfs*13). While this is not anticipated to result in nonsense mediated decay, it is expected to disrupt the last 15 amino acids of the POLD1 protein. Missense variants that disrupt the 3'-5' exonuclease (proof-reading) activity of the POLD1 protein, are associated with an increased risk for colonic adenomatous polyps and colon cancer (PMID: 23263490, 23447401). However loss-of-function variants, which result in an absent or severely disrupted POLD1 protein, and missense variants outside the exonuclease domain, are unlikely to be associated with polyposis or colon cancer. Without further clinical and genetic evidence, this variant has been classified as a Variant of Uncertain Significance. This variant has not been reported in the literature in individuals with POLD1-related conditions. This variant is not present in population databases (ExAC no frequency).

Literature cited by the submitters: PubMed 23263490; PubMed 23447401.